The following is an entry in ClinVar:

ClinVar aggregate classification (germline): Uncertain significance. Review status: criteria provided, multiple submitters, no conflicts (2 of 4 stars). 2 submissions from 2 submitters: Uncertain significance (2). Last evaluated 2025-01-27.

Allele frequency attached by ClinVar (database versions not stated): ExAC 0.00002; gnomAD 0.00002 and 0.00003; gnomAD exomes 0.00003; TOPMed 0.00003; 1000 Genomes Project 30x 0.00016; 1000 Genomes Project 0.00020; ESP Exome Variant Server 0.00023.
gnomAD v4.1: 44 of 1,367,602 alleles (0.0032%); highest among the groups gnomAD compares: Non-Finnish European, 0.004%; no homozygotes.

Submissions (2):

Labcorp Genetics (formerly Invitae), Labcorp
Classification: Uncertain significance. Last evaluated: 2025-01-27. Review status: criteria provided, single submitter. Criteria: Invitae Variant Classification Sherloc (09022015). Collection method: clinical testing. Allele origin: germline.
Comment: This sequence change replaces alanine, which is neutral and non-polar, with threonine, which is neutral and polar, at codon 1521 of the ERCC6L2 protein (p.Ala1521Thr). This variant is present in population databases (rs140907853, gnomAD 0.007%). This variant has not been reported in the literature in individuals affected with ERCC6L2-related conditions. ClinVar contains an entry for this variant (Variation ID: 1008416). Experimental studies and prediction algorithms are not available or were not evaluated, and the functional significance of this variant is currently unknown. In summary, the available evidence is currently insufficient to determine the role of this variant in disease. Therefore, it has been classified as a Variant of Uncertain Significance.

Blueprint Genetics
Classification: Uncertain significance. Last evaluated: 2023-11-24. Review status: criteria provided, single submitter. Criteria: ACMG Guidelines, 2015. Collection method: clinical testing. Allele origin: germline.

NM_020207.7(ERCC6L2):c.4528G>A (p.Ala1510Thr)

Gene: ERCC6L2 (ERCC excision repair 6 like 2; plus strand). Cytogenetic location: 9q22.32.
Variant type: single nucleotide variant.
Coding change: c.4528G>A on transcript NM_020207.7 (MANE Select); coding-DNA position 4528, G replaced by A.
Protein change: p.Ala1510Thr; replaces alanine 1510 with threonine.
Molecular consequence: missense variant. On other transcripts: non-coding transcript variant (1), intron variant (2).
Genome position (GRCh38, 1-based): chr9:96,013,078, G>A. VCF-style: chr9-96013078-G-A. GRCh37 (hg19) VCF-style: chr9-98775360-G-A.
Other names: c.3674+8377G>A (NM_001375291.1, NM_001375292.1); short protein forms A1510T.
Identifiers: ClinVar variation 1008416 (VCV001008416.7), dbSNP rs140907853, ClinGen allele CA5140120.